The following is an entry in ClinVar:

ClinVar aggregate classification (germline): Likely benign. Review status: criteria provided, multiple submitters, no conflicts (2 of 4 stars). 4 submissions from 4 submitters: Likely benign (3). 1 of the submissions does not count toward it. Last evaluated 2026-09-01.

Conditions:
MYO18B-related disorder. Also called: MYO18B-related condition.

Allele frequency attached by ClinVar (database versions not stated): gnomAD 0.00204 and 0.00205; TOPMed 0.00205; ESP Exome Variant Server 0.00220; ExAC 0.00249; gnomAD exomes 0.00348; 1000 Genomes Project 30x 0.00078; 1000 Genomes Project 0.00100.
gnomAD v4.1: 5,352 of 1,613,856 alleles (0.33%); highest among the groups gnomAD compares: Non-Finnish European, 0.4%; 6 homozygotes.

Submissions (4):

CeGaT Center for Human Genetics Tuebingen
Classification: Likely benign. Last evaluated: 2026-09-01. Review status: criteria provided, single submitter. Criteria: CeGaT Center For Human Genetics Tuebingen Variant Classification Criteria Version 2. Collection method: clinical testing. Allele origin: germline. Affected: yes. Observed: 6 variant alleles.
Comment: MYO18B: BP4

Labcorp Genetics (formerly Invitae), Labcorp
Classification: Likely benign. Last evaluated: 2026-02-03. Review status: criteria provided, single submitter. Criteria: Invitae Variant Classification Sherloc (09022015). Collection method: clinical testing. Allele origin: germline.

Blueprint Genetics
Classification: Likely benign. Last evaluated: 2024-10-31. Review status: criteria provided, single submitter. Criteria: ACMG Guidelines, 2015. Collection method: clinical testing. Allele origin: germline.

PreventionGenetics, part of Exact Sciences
Classification: Likely benign for MYO18B-related condition. Last evaluated: 2020-12-08. Review status: no assertion criteria provided. Collection method: clinical testing. Allele origin: germline. Not counted in ClinVar's aggregate classification.
Comment: This variant is classified as likely benign based on ACMG/AMP sequence variant interpretation guidelines (Richards et al. 2015 PMID: 25741868, with internal and published modifications).

NM_032608.7(MYO18B):c.3291C>A (p.Asp1097Glu)

Gene: MYO18B (myosin XVIIIB; plus strand). Cytogenetic location: 22q12.1.
Variant type: single nucleotide variant.
Coding change: c.3291C>A on transcript NM_032608.7 (MANE Select); coding-DNA position 3291, C replaced by A.
Protein change: p.Asp1097Glu; replaces aspartic acid 1097 with glutamic acid.
Molecular consequence: missense variant.
Genome position (GRCh38, 1-based): chr22:25,843,817, C>A. VCF-style: chr22-25843817-C-A. GRCh37 (hg19) VCF-style: chr22-26239784-C-A.
Other names: c.3294C>A, p.Asp1098Glu (NM_001318245.2); short protein forms D1097E, D1098E.
Identifiers: ClinVar variation 771055 (VCV000771055.35), dbSNP rs144564568, ClinGen allele CA10160516.